The following is an entry in ClinVar:

ClinVar aggregate classification (germline): Uncertain significance. Review status: criteria provided, multiple submitters, no conflicts (2 of 4 stars). 2 submissions from 2 submitters: Uncertain significance (2). Last evaluated 2025-01-18.

Conditions:
Inborn genetic diseases. Identifiers: MedGen C0950123, MeSH D030342.

Allele frequency attached by ClinVar (database versions not stated): TOPMed below 0.00001; gnomAD 0.00002.

Submissions (2):

Ambry Genetics
Classification: Uncertain significance for Inborn genetic diseases. Last evaluated: 2025-01-18. Review status: criteria provided, single submitter. Criteria: Ambry Variant Classification Scheme 2023. Collection method: clinical testing. Allele origin: germline.

Labcorp Genetics (formerly Invitae), Labcorp
Classification: Uncertain significance. Last evaluated: 2022-06-30. Review status: criteria provided, single submitter. Criteria: Invitae Variant Classification Sherloc (09022015). Collection method: clinical testing. Allele origin: germline.
Comment: This sequence change replaces histidine, which is basic and polar, with tyrosine, which is neutral and polar, at codon 226 of the HPS3 protein (p.His226Tyr). This variant is present in population databases (no rsID available, gnomAD 0.007%). This variant has not been reported in the literature in individuals affected with HPS3-related conditions. Algorithms developed to predict the effect of missense changes on protein structure and function (SIFT, PolyPhen-2, Align-GVGD) all suggest that this variant is likely to be tolerated. In summary, the available evidence is currently insufficient to determine the role of this variant in disease. Therefore, it has been classified as a Variant of Uncertain Significance.

NM_032383.5(HPS3):c.676C>T (p.His226Tyr)

Gene: HPS3 (HPS3 biogenesis of lysosomal organelles complex 2 subunit 1; plus strand). Cytogenetic location: 3q24.
Variant type: single nucleotide variant.
Coding change: c.676C>T on transcript NM_032383.5 (MANE Select); coding-DNA position 676, C replaced by T.
Protein change: p.His226Tyr; replaces histidine 226 with tyrosine.
Molecular consequence: missense variant. On other transcripts: intron variant (1).
Genome position (GRCh38, 1-based): chr3:149,140,462, C>T. VCF-style: chr3-149140462-C-T. GRCh37 (hg19) VCF-style: chr3-148858249-C-T.
Other names: c.676C>T (NM_032383.3); c.218-555C>T (NM_001308258.2); short protein forms H226Y.
Identifiers: ClinVar variation 1944705 (VCV001944705.3), dbSNP rs1448395384, ClinGen allele CA354912739.
Genomic context (GRCh38, chr3:149,140,462, plus strand): 5'-GTCTTAATCGTAAAACTGGAGTCAGGCCCTAAAAATGGAGAGAGAGTTCACCACCATCCA[C>T]ATAAGACCAACAATCGAATAAGACGGACAGAAGAAGGTAAATAATGAATTTGACTTGCTT-3'
Protein context (NP_115759.2, residues 216-236): KNGERVHHHP[His226Tyr]KTNNRIRRTE